The following is an entry in ClinVar:

ClinVar aggregate classification (germline): Pathogenic (1 of 4 stars; one submission).

Conditions:
VPS13A-related neurodegenerative disease. Also called: ACANTHOCYTOSIS WITH NEUROLOGIC DISORDER; LEVINE-CRITCHLEY SYNDROME; Choreoacanthocytosis; Chorea-acanthocytosis; Choreaacanthocytosis; VPS13A Disease. Identifiers: Orphanet 2388, MedGen C0393576, MONDO:0008695, OMIM 200150.

Submission:

Myriad Genetics, Inc.
Classification: Pathogenic for VPS13A-related neurodegenerative disease. Last evaluated: 2025-10-28. Review status: criteria provided, single submitter. Criteria: Myriad Autosomal Dominant, Autosomal Recessive and X-Linked Classification Criteria (2023). Collection method: clinical testing. Allele origin: unknown.
Comment: NM_033305.2(VPS13A):c.4856_4858delTCAinsCC(I1619Tfs*23) is expected to be pathogenic in the context of VPS13A disease. This variant is predicted to lead to an abnormal or absent protein product due to the creation of a premature termination codon in VPS13A, a gene where loss-of-function variants are known to be pathogenic. Please note: this variant was assessed in the context of healthy population screening.

NM_033305.3(VPS13A):c.4856_4858delinsCC (p.Ile1619fs)

Gene: VPS13A (vacuolar protein sorting 13 homolog A; plus strand). Cytogenetic location: 9q21.2.
Variant type: Indel.
Coding change: c.4856_4858delinsCC on transcript NM_033305.3 (MANE Select); coding-DNA positions 4856 to 4858, TCA replaced by CC.
Protein change: p.Ile1619fs; shifts the reading frame from isoleucine 1619.
Molecular consequence: frameshift variant.
Genome position (GRCh38, 1-based): chr9:77,316,399-77,316,401, TCA replaced by CC. VCF-style: chr9-77316399-TCA-CC. GRCh37 (hg19) VCF-style: chr9-79931315-TCA-CC.
Other names: c.4739_4741delinsCC, p.Ile1580fs (NM_001018037.2); c.4856_4858delinsCC, p.Ile1619fs (NM_001018038.3, NM_015186.4); short protein forms I1580fs, I1619fs.
Identifiers: ClinVar variation 5015147 (VCV005015147.1).